The following is an entry in ClinVar:

NM_001367624.2(ZNF469):c.559C>G (p.Pro187Ala)

Gene: ZNF469 (zinc finger protein 469; plus strand). Cytogenetic location: 16q24.2.
Variant type: single nucleotide variant.
Coding change: c.559C>G on transcript NM_001367624.2 (MANE Select); coding-DNA position 559, C replaced by G.
Protein change: p.Pro187Ala; replaces proline 187 with alanine.
Molecular consequence: missense variant.
Genome position (GRCh38, 1-based): chr16:88,428,029, C>G. VCF-style: chr16-88428029-C-G. GRCh37 (hg19) VCF-style: chr16-88494437-C-G.
Other names: NM_001127464.1:c.559C>G; short protein forms P187A.
Identifiers: ClinVar variation 1961601 (VCV001961601.7), dbSNP rs914112832, ClinGen allele CA286371719.

ClinVar aggregate classification (germline): Uncertain significance. Review status: criteria provided, multiple submitters, no conflicts (2 of 4 stars). 2 submissions from 2 submitters: Uncertain significance (2). Last evaluated 2025-04-04.

Conditions:
Cardiovascular phenotype. Identifiers: MedGen CN230736.

Allele frequency attached by ClinVar (database versions not stated): gnomAD exomes below 0.00001; TOPMed 0.00001.
gnomAD v4.1: 2 of 1,550,004 alleles (0.00013%); highest among the groups gnomAD compares: African/African-American, 0.0027%; no homozygotes.

Submissions (2):

Ambry Genetics
Classification: Uncertain significance for Cardiovascular phenotype. Last evaluated: 2025-04-04. Review status: criteria provided, single submitter. Criteria: Ambry Variant Classification Scheme 2023. Collection method: clinical testing. Allele origin: germline.

Labcorp Genetics (formerly Invitae), Labcorp
Classification: Uncertain significance. Last evaluated: 2024-12-16. Review status: criteria provided, single submitter. Criteria: Invitae Variant Classification Sherloc (09022015). Collection method: clinical testing. Allele origin: germline.
Comment: This sequence change replaces proline, which is neutral and non-polar, with alanine, which is neutral and non-polar, at codon 187 of the ZNF469 protein (p.Pro187Ala). This variant is not present in population databases (gnomAD no frequency). This variant has not been reported in the literature in individuals affected with ZNF469-related conditions. ClinVar contains an entry for this variant (Variation ID: 1961601). An algorithm developed to predict the effect of missense changes on protein structure and function outputs the following: PolyPhen-2: "Benign". The alanine amino acid residue is found in multiple mammalian species, which suggests that this missense change does not adversely affect protein function. In summary, the available evidence is currently insufficient to determine the role of this variant in disease. Therefore, it has been classified as a Variant of Uncertain Significance.